The following is an entry in ClinVar:

ClinVar aggregate classification (germline): Uncertain significance (1 of 4 stars; one submission).

Submission:

Labcorp Genetics (formerly Invitae), Labcorp
Classification: Uncertain significance. Last evaluated: 2025-05-30. Review status: criteria provided, single submitter. Criteria: Invitae Variant Classification Sherloc (09022015). Collection method: clinical testing. Allele origin: germline.
Comment: This sequence change replaces asparagine, which is neutral and polar, with serine, which is neutral and polar, at codon 647 of the PHEX protein (p.Asn647Ser). This variant is not present in population databases (gnomAD no frequency). This variant has not been reported in the literature in individuals affected with PHEX-related conditions. Invitae Evidence Modeling of protein sequence and biophysical properties (such as structural, functional, and spatial information, amino acid conservation, physicochemical variation, residue mobility, and thermodynamic stability) indicates that this missense variant is expected to disrupt PHEX protein function with a positive predictive value of 80%. In summary, the available evidence is currently insufficient to determine the role of this variant in disease. Therefore, it has been classified as a Variant of Uncertain Significance.

NM_000444.6(PHEX):c.1940A>G (p.Asn647Ser)

Genes: PHEX (phosphate regulating endopeptidase X-linked; plus strand), PTCHD1-AS (PTCHD1 and PHEX antisense RNA; minus strand). Cytogenetic location: Xp22.11.
Variant type: single nucleotide variant.
Coding change: c.1940A>G on transcript NM_000444.6 (MANE Select); coding-DNA position 1940, A replaced by G.
Protein change: p.Asn647Ser; replaces asparagine 647 with serine.
Molecular consequence: missense variant.
Genome position (GRCh38, 1-based): chrX:22,226,483, A>G. VCF-style: chrX-22226483-A-G. GRCh37 (hg19) VCF-style: chrX-22244600-A-G.
Other names: c.1940A>G, p.Asn647Ser (NM_001282754.2); short protein forms N647S.
Identifiers: ClinVar variation 4711373 (VCV004711373.1).